The following is an entry in ClinVar:

NM_152743.4(BRAT1):c.924-6C>G

Gene: BRAT1 (BRCA1 associated ATM activator 1; minus strand). Cytogenetic location: 7p22.3.
Variant type: single nucleotide variant.
Coding change: c.924-6C>G on transcript NM_152743.4 (MANE Select); 6 bases into the intron before coding-DNA position 924, C replaced by G.
Molecular consequence: intron variant.
Genome position (GRCh38, 1-based): chr7:2,542,217, G>C on the plus strand (C>G on the coding strand, the complement: BRAT1 is on the minus strand). VCF-style: chr7-2542217-G-C. GRCh37 (hg19) VCF-style: chr7-2581851-G-C.
Other names: c.399-6C>G (NM_001350627.2); c.924-6C>G (NM_001350626.2).
Identifiers: ClinVar variation 472984 (VCV000472984.17), dbSNP rs376179903, ClinGen allele CA4127991.

ClinVar aggregate classification (germline): Conflicting classifications of pathogenicity. Review status: criteria provided, conflicting classifications (1 of 4 stars). 3 submissions from 3 submitters: Uncertain significance (1); Likely benign (2). Last evaluated 2026-01-31.

Conditions:
Neonatal-onset encephalopathy with rigidity and seizures. Also called: Lethal neonatal spasticity-epileptic encephalopathy syndrome. Identifiers: Orphanet 435845, MedGen C3281029, MONDO:0013784, OMIM 614498.
Inborn genetic diseases. Identifiers: MedGen C0950123, MeSH D030342.

Allele frequency attached by ClinVar (database versions not stated): gnomAD exomes 0.00005 and 0.00010; ExAC 0.00018; 1000 Genomes Project 30x 0.00062; gnomAD 0.00062 and 0.00063; TOPMed 0.00065; ESP Exome Variant Server 0.00078; 1000 Genomes Project 0.00080.
gnomAD v4.1: 164 of 1,555,930 alleles (0.011%); highest among the groups gnomAD compares: African/African-American, 0.21%; no homozygotes.

Submissions (4):

Labcorp Genetics (formerly Invitae), Labcorp
Classification: Likely benign for Neonatal-onset encephalopathy with rigidity and seizures. Last evaluated: 2026-01-31. Review status: criteria provided, single submitter. Criteria: Invitae Variant Classification Sherloc (09022015). Collection method: clinical testing. Allele origin: germline.

GeneDx
Classification: Uncertain significance. Last evaluated: 2021-08-19. Review status: criteria provided, single submitter. Criteria: GeneDx Variant Classification Process June 2021. Collection method: clinical testing. Allele origin: germline. Affected: yes.
Comment: Has not been previously published as pathogenic or benign to our knowledge In silico analysis supports a deleterious effect on splicing Observed in 0.0185% (36/195066 alleles) in large population cohorts (Lek et al., 2016)

Ambry Genetics
Classification: Likely benign for Inborn genetic diseases. Last evaluated: 2021-06-18. Review status: criteria provided, single submitter. Criteria: Ambry Variant Classification Scheme 2023. Collection method: clinical testing. Allele origin: germline.

Dr. Peter K. Rogan Lab, Western University
No classification provided (evidence only). Condition: Thyroid cancer, nonmedullary, 1. Review status: no classification provided. Collection method: in vitro. Allele origin: not applicable. Functional consequence: retained intron. Not counted in ClinVar's aggregate classification.